The following is an entry in ClinVar:

NM_001364905.1(LRBA):c.8071T>G (p.Cys2691Gly)

Gene: LRBA (LPS responsive beige-like anchor protein; minus strand). Cytogenetic location: 4q31.3.
Variant type: single nucleotide variant.
Coding change: c.8071T>G on transcript NM_001364905.1 (MANE Select); coding-DNA position 8071, T replaced by G.
Protein change: p.Cys2691Gly; replaces cysteine 2691 with glycine.
Molecular consequence: missense variant.
Genome position (GRCh38, 1-based): chr4:150,285,981, A>C on the plus strand (T>G on the coding strand, the complement: LRBA is on the minus strand). VCF-style: chr4-150285981-A-C. GRCh37 (hg19) VCF-style: chr4-151207133-A-C.
Other names: c.8068T>G, p.Cys2690Gly (NM_001199282.3); c.8086T>G, p.Cys2696Gly (NM_001367550.1); c.8104T>G, p.Cys2702Gly (NM_006726.5); short protein forms C2691G, C2702G, C2690G, C2696G.
Identifiers: ClinVar variation 570020 (VCV000570020.6), dbSNP rs1560963757, ClinGen allele CA358441627.

ClinVar aggregate classification (germline): Uncertain significance (1 of 4 stars; one submission).

Conditions:
Combined immunodeficiency due to LRBA deficiency. Also called: Common variable immunodeficiency 8, with autoimmunity. Identifiers: Orphanet 445018, MedGen C3553512, MONDO:0013863, OMIM 614700.

gnomAD v4.1: 5 of 1,598,742 alleles (0.00031%); highest among the groups gnomAD compares: Non-Finnish European, 0.00034%; no homozygotes.

Submission:

Labcorp Genetics (formerly Invitae), Labcorp
Classification: Uncertain significance for Combined immunodeficiency due to LRBA deficiency. Last evaluated: 2021-05-26. Review status: criteria provided, single submitter. Criteria: Invitae Variant Classification Sherloc (09022015). Collection method: clinical testing. Allele origin: germline.
Comment: In summary, the available evidence is currently insufficient to determine the role of this variant in disease. Therefore, it has been classified as a Variant of Uncertain Significance. Algorithms developed to predict the effect of missense changes on protein structure and function are either unavailable or do not agree on the potential impact of this missense change (SIFT: "Tolerated"; PolyPhen-2: "Probably Damaging"; Align-GVGD: "Class C0"). This variant has not been reported in the literature in individuals with LRBA-related disease. This variant is not present in population databases (ExAC no frequency). This sequence change replaces cysteine with glycine at codon 2702 of the LRBA protein (p.Cys2702Gly). The cysteine residue is moderately conserved and there is a large physicochemical difference between cysteine and glycine.